The following is an entry in ClinVar:

NM_001244008.2(KIF1A):c.848C>G (p.Ser283Cys)

Gene: KIF1A (kinesin family member 1A; minus strand). Cytogenetic location: 2q37.3.
Variant type: single nucleotide variant.
Coding change: c.848C>G on transcript NM_001244008.2 (MANE Select); coding-DNA position 848, C replaced by G.
Protein change: p.Ser283Cys; replaces serine 283 with cysteine.
Molecular consequence: missense variant.
Genome position (GRCh38, 1-based): chr2:240,783,060, G>C on the plus strand (C>G on the coding strand, the complement: KIF1A is on the minus strand). VCF-style: chr2-240783060-G-C. GRCh37 (hg19) VCF-style: chr2-241722477-G-C.
Other names: c.848C>G, p.Ser283Cys (NM_001320705.2, NM_001330289.2, NM_001330290.2 and 20 more transcripts); short protein forms S283C.
Identifiers: ClinVar variation 1023339 (VCV001023339.11), dbSNP rs1291269882, ClinGen allele CA351302513.

ClinVar aggregate classification (germline): Uncertain significance (1 of 4 stars; one submission).

Conditions:
Neuropathy, hereditary sensory, type 2C. Also called: Hereditary sensory and autonomic neuropathy type IIC; KIF1A-Related HSAN2 (HSAN2C). Identifiers: Orphanet 970, MedGen C3280168, MONDO:0013634, OMIM 614213.
Intellectual disability, autosomal dominant 9 (NESCAVS). Also called: KIF1A-Related Neurodevelopmental Disorder; NESCAV SYNDROME. Identifiers: Orphanet 662367, MedGen C5393830, MONDO:0013656, OMIM 614255.
Hereditary spastic paraplegia 30. Identifiers: Orphanet 101010, MedGen C5235139, MONDO:0012476.

Submission:

Labcorp Genetics (formerly Invitae), Labcorp
Classification: Uncertain significance for Hereditary spastic paraplegia 30; Neuropathy, hereditary sensory, type 2C; Intellectual disability, autosomal dominant 9. Last evaluated: 2020-01-23. Review status: criteria provided, single submitter. Criteria: Invitae Variant Classification Sherloc (09022015). Collection method: clinical testing. Allele origin: germline.
Comment: This variant is not present in population databases (ExAC no frequency). This sequence change replaces serine with cysteine at codon 283 of the KIF1A protein (p.Ser283Cys). The serine residue is highly conserved and there is a moderate physicochemical difference between serine and cysteine. In summary, the available evidence is currently insufficient to determine the role of this variant in disease. Therefore, it has been classified as a Variant of Uncertain Significance. Algorithms developed to predict the effect of missense changes on protein structure and function are either unavailable or do not agree on the potential impact of this missense change (SIFT: "Deleterious"; PolyPhen-2: "Probably Damaging"; Align-GVGD: "Class C0"). This variant has not been reported in the literature in individuals with KIF1A-related conditions.